The following is an entry in ClinVar:

NM_000287.4(PEX6):c.677C>A (p.Ala226Asp)

Gene: PEX6 (peroxisomal biogenesis factor 6; minus strand). Cytogenetic location: 6p21.1.
Variant type: single nucleotide variant.
Coding change: c.677C>A on transcript NM_000287.4 (MANE Select); coding-DNA position 677, C replaced by A.
Protein change: p.Ala226Asp; replaces alanine 226 with aspartic acid.
Molecular consequence: missense variant. On other transcripts: non-coding transcript variant (1), intron variant (1).
Genome position (GRCh38, 1-based): chr6:42,978,474, G>T on the plus strand (C>A on the coding strand, the complement: PEX6 is on the minus strand). VCF-style: chr6-42978474-G-T. GRCh37 (hg19) VCF-style: chr6-42946212-G-T.
Other names: c.618+59C>A (NM_001316313.2); short protein forms A226D.
Identifiers: ClinVar variation 1357206 (VCV001357206.6), dbSNP rs2150239605, ClinGen allele CA364162805.
Genomic context (GRCh38, chr6:42,978,474, plus strand): 5'-TCTAGGACCTGCACCCTAGCCAAGTGCGGCTGTGAAGTGTTCGATGACTCTCTGGCCTGG[G>T]CCACCCACACCCATTCGCCCTGGAAGAGGCCAAGGCCACGGAGACAGCTCCGGCTCACCC-3'
Protein context (NP_000278.3, residues 216-236): GLFQGEWVWV[Ala226Asp]QARESSNTSQ

ClinVar aggregate classification (germline): Uncertain significance (1 of 4 stars; one submission).

Conditions:
Peroxisome biogenesis disorder. Identifiers: Orphanet 79189, MedGen C1832200, MONDO:0019234. Disease mechanism: loss of function.

gnomAD v4.1: 1 of 1,614,158 alleles (0.000062%); highest among the groups gnomAD compares: Non-Finnish European, 0.000085%; no homozygotes.

Submission:

Labcorp Genetics (formerly Invitae), Labcorp
Classification: Uncertain significance for Peroxisome biogenesis disorder. Last evaluated: 2022-10-25. Review status: criteria provided, single submitter. Criteria: Invitae Variant Classification Sherloc (09022015). Collection method: clinical testing. Allele origin: germline.
Comment: In summary, the available evidence is currently insufficient to determine the role of this variant in disease. Therefore, it has been classified as a Variant of Uncertain Significance. Advanced modeling of protein sequence and biophysical properties (such as structural, functional, and spatial information, amino acid conservation, physicochemical variation, residue mobility, and thermodynamic stability) performed at Invitae indicates that this missense variant is not expected to disrupt PEX6 protein function. ClinVar contains an entry for this variant (Variation ID: 1357206). This variant has not been reported in the literature in individuals affected with PEX6-related conditions. This variant is not present in population databases (gnomAD no frequency). This sequence change replaces alanine, which is neutral and non-polar, with aspartic acid, which is acidic and polar, at codon 226 of the PEX6 protein (p.Ala226Asp).